The following is an entry in ClinVar:

NM_000639.3(FASLG):c.156_179dup (p.Leu54_Pro61dup)

Gene: FASLG (Fas ligand; plus strand). Cytogenetic location: 1q24.3.
Variant type: Duplication.
Coding change: c.156_179dup on transcript NM_000639.3 (MANE Select); coding-DNA positions 156 to 179, 24 bases duplicated (ACCACTACCACCTCCGCCGCCGCC).
Protein change: p.Leu54_Pro61dup.
Molecular consequence: inframe insertion.
Genome position (GRCh38, 1-based): chr1:172,659,357-172,659,380, ACCACTACCACCTCCGCCGCCGCC duplicated; duplicating any 24 consecutive bases within chr1:172,659,352-172,659,380 gives the same sequence; the c. name uses the placement nearest the transcript's 3' end. VCF-style (leftmost placement, unchanged base first): chr1-172659351-A-ACCGCCACCACTACCACCTCCGCCG. GRCh37 (hg19) VCF-style: chr1-172628491-A-ACCGCCACCACTACCACCTCCGCCG.
Other names: c.156_179dup, p.Leu54_Pro61dup (NM_001302746.2).
Identifiers: ClinVar variation 1405869 (VCV001405869.6), dbSNP rs1659086365, ClinGen allele CA1207429041.

ClinVar aggregate classification (germline): Uncertain significance (1 of 4 stars; one submission).

Conditions:
Autoimmune lymphoproliferative syndrome type 1. Also called: AUTOIMMUNE LYMPHOPROLIFERATIVE SYNDROME, TYPE I, AUTOSOMAL DOMINANT. Identifiers: Orphanet 3261, MedGen C2717884, MONDO:0011158, OMIM 601859.

Submission:

Labcorp Genetics (formerly Invitae), Labcorp
Classification: Uncertain significance for Autoimmune lymphoproliferative syndrome. Last evaluated: 2021-10-11. Review status: criteria provided, single submitter. Criteria: Invitae Variant Classification Sherloc (09022015). Collection method: clinical testing. Allele origin: germline.
Comment: This variant, c.156_179dup, results in the insertion of 8 amino acid(s) to the FASLG protein (p.Leu54_Pro61dup), but otherwise preserves the integrity of the reading frame. This variant is not present in population databases (ExAC no frequency). In summary, the available evidence is currently insufficient to determine the role of this variant in disease. Therefore, it has been classified as a Variant of Uncertain Significance. Experimental studies and prediction algorithms are not available or were not evaluated, and the functional significance of this variant is currently unknown. This variant has not been reported in the literature in individuals affected with FASLG-related conditions.